The following is an entry in ClinVar:

NM_001734.5(C1S):c.2001_2017dup (p.Asp673delinsGlyTer)

Gene: C1S (complement C1s; plus strand). Cytogenetic location: 12p13.31.
Variant type: Duplication.
Coding change: c.2001_2017dup on transcript NM_001734.5 (MANE Select); coding-DNA positions 2001 to 2017, 17 bases duplicated (GGTAAAGAACTATGTTG).
Protein change: p.Asp673delinsGlyTer.
Molecular consequence: nonsense.
Genome position (GRCh38, 1-based): chr12:7,070,585-7,070,601, GGTAAAGAACTATGTTG duplicated; duplicating any 17 consecutive bases within chr12:7,070,584-7,070,601 gives the same sequence; the c. name uses the placement nearest the transcript's 3' end. VCF-style (leftmost placement, unchanged base first): chr12-7070583-C-CGGGTAAAGAACTATGTT. GRCh37 (hg19) VCF-style: chr12-7177887-C-CGGGTAAAGAACTATGTT.
Other names: c.1500_1516dup, p.Asp506delinsGlyTer (NM_001346850.2); c.2001_2017dup, p.Asp673delinsGlyTer (NM_201442.4).
Identifiers: ClinVar variation 1722488 (VCV001722488.1), dbSNP rs2539609545, ClinGen allele CA2580086289.

ClinVar aggregate classification (germline): Uncertain significance (1 of 4 stars; one submission).

Submission:

Women's Health and Genetics/Laboratory Corporation of America, LabCorp
Classification: Uncertain significance. Last evaluated: 2022-09-09. Review status: criteria provided, single submitter. Criteria: LabCorp Variant Classification Summary - May 2015. Collection method: clinical testing. Allele origin: germline.
Comment: Variant summary: C1S c.2001_2017dup17 (p.Asp673GlyfsX2) results in a premature termination codon, predicted to cause a truncation of the encoded protein. However, this variant is located in the last exon. Truncations downstream of this position have not been reported. The variant was absent in 251180 control chromosomes. To our knowledge, no occurrence of c.2001_2017dup17 in individuals affected with Complement Component C1s Deficiency and no experimental evidence demonstrating its impact on protein function have been reported. No clinical diagnostic laboratories have submitted clinical-significance assessments for this variant to ClinVar after 2014. Based on the evidence outlined above, the variant was classified as VUS.